The following is an entry in ClinVar:

NM_012144.4(DNAI1):c.180+1G>A

Gene: DNAI1 (dynein axonemal intermediate chain 1; plus strand). Cytogenetic location: 9p13.3.
Variant type: single nucleotide variant.
Coding change: c.180+1G>A on transcript NM_012144.4 (MANE Select); the canonical splice donor site of the intron after coding-DNA position 180, G replaced by A.
Molecular consequence: splice donor variant.
Genome position (GRCh38, 1-based): chr9:34,485,241, G>A. VCF-style: chr9-34485241-G-A. GRCh37 (hg19) VCF-style: chr9-34485239-G-A.
Other names: c.180+1G>A (NM_001281428.2).
Identifiers: ClinVar variation 1514662 (VCV001514662.9), dbSNP rs2132057443, ClinGen allele CA373242252.

ClinVar aggregate classification (germline): Pathogenic/Likely pathogenic. Review status: criteria provided, multiple submitters, no conflicts (2 of 4 stars). 2 submissions from 2 submitters: Pathogenic (1); Likely pathogenic (1). Last evaluated 2025-09-10.

Conditions:
Kartagener syndrome (CILD1). Also called: POLYNESIAN BRONCHIECTASIS; CILIARY DYSKINESIA, PRIMARY, 1, WITH OR WITHOUT SITUS INVERSUS; CILIARY DYSKINESIA, PRIMARY, 1; IMMOTILE CILIA SYNDROME; Dextrocardia bronchiectasis and sinusitis; SIEWERT SYNDROME. Identifiers: Orphanet 244, MedGen C4551906, MONDO:0009484, OMIM 244400.
Primary ciliary dyskinesia. Also called: Ciliary dyskinesia. Identifiers: Orphanet 244, MedGen C0008780, MONDO:0016575, HP:0012265.

Allele frequency attached by ClinVar (database versions not stated): gnomAD exomes below 0.00001.
gnomAD v4.1: 1 of 1,614,186 alleles (0.000062%); highest among the groups gnomAD compares: Non-Finnish European, 0.000085%; no homozygotes.

Submissions (2):

Genomic Medicine Center of Excellence, King Faisal Specialist Hospital and Research Centre
Classification: Pathogenic for Kartagener syndrome. Last evaluated: 2025-09-10. Review status: criteria provided, single submitter. Criteria: ACMG Guidelines, 2015. Collection method: clinical testing. Allele origin: germline.

Labcorp Genetics (formerly Invitae), Labcorp
Classification: Likely pathogenic for Primary ciliary dyskinesia. Last evaluated: 2021-03-19. Review status: criteria provided, single submitter. Criteria: Invitae Variant Classification Sherloc (09022015). Collection method: clinical testing. Allele origin: germline.
Comment: This variant is not present in population databases (ExAC no frequency). In summary, the currently available evidence indicates that the variant is pathogenic, but additional data are needed to prove that conclusively. Therefore, this variant has been classified as Likely Pathogenic. Algorithms developed to predict the effect of sequence changes on RNA splicing suggest that this variant may disrupt the consensus splice site, but this prediction has not been confirmed by published transcriptional studies. This variant has not been reported in the literature in individuals with DNAI1-related conditions. This sequence change affects a donor splice site in intron 3 of the DNAI1 gene. It is expected to disrupt RNA splicing. Variants that disrupt the donor or acceptor splice site typically lead to a loss of protein function (PMID: 16199547), and loss-of-function variants in DNAI1 are known to be pathogenic (PMID: 16858015, 29363216).

Literature cited by the submitters: PubMed 16199547 (cited by Labcorp Genetics (formerly Invitae), Labcorp); PubMed 16858015 (cited by Labcorp Genetics (formerly Invitae), Labcorp); PubMed 29363216 (cited by Labcorp Genetics (formerly Invitae), Labcorp).